The following is an entry in ClinVar:

NM_000090.4(COL3A1):c.350C>T (p.Pro117Leu)

Gene: COL3A1 (collagen type III alpha 1 chain; plus strand). Cytogenetic location: 2q32.2.
Variant type: single nucleotide variant.
Coding change: c.350C>T on transcript NM_000090.4 (MANE Select); coding-DNA position 350, C replaced by T.
Protein change: p.Pro117Leu; replaces proline 117 with leucine.
Molecular consequence: missense variant.
Genome position (GRCh38, 1-based): chr2:188,985,681, C>T. VCF-style: chr2-188985681-C-T. GRCh37 (hg19) VCF-style: chr2-189850407-C-T.
Other names: short protein forms P117L.
Identifiers: ClinVar variation 2841635 (VCV002841635.3), dbSNP rs2469108235, ClinGen allele CA349847741.

ClinVar aggregate classification (germline): Uncertain significance (1 of 4 stars; one submission).

Conditions:
Ehlers-Danlos syndrome, type 4 (EDSVASC). Also called: Ehlers-Danlos syndrome vascular type; Ehlers Danlos syndrome, ecchymotic type; Ehlers Danlos syndrome, arterial type; Ehlers Danlos syndrome, Sack-Barabas type; Ehlers-Danlos Syndrome Type IV. Identifiers: Orphanet 286, MedGen C0268338, MONDO:0017314, OMIM 130050.

Submission:

Labcorp Genetics (formerly Invitae), Labcorp
Classification: Uncertain significance for Ehlers-Danlos syndrome, type 4. Last evaluated: 2023-02-28. Review status: criteria provided, single submitter. Criteria: Invitae Variant Classification Sherloc (09022015). Collection method: clinical testing. Allele origin: germline.
Comment: In summary, the available evidence is currently insufficient to determine the role of this variant in disease. Therefore, it has been classified as a Variant of Uncertain Significance. Advanced modeling of protein sequence and biophysical properties (such as structural, functional, and spatial information, amino acid conservation, physicochemical variation, residue mobility, and thermodynamic stability) has been performed at Invitae for this missense variant, however the output from this modeling did not meet the statistical confidence thresholds required to predict the impact of this variant on COL3A1 protein function. This variant has not been reported in the literature in individuals affected with COL3A1-related conditions. This variant is not present in population databases (gnomAD no frequency). This sequence change replaces proline, which is neutral and non-polar, with leucine, which is neutral and non-polar, at codon 117 of the COL3A1 protein (p.Pro117Leu).